The following is an entry in ClinVar:

ClinVar aggregate classification (germline): Likely pathogenic (1 of 4 stars; one submission).

Conditions:
Mucopolysaccharidosis, MPS-III-D (MPS3D). Also called: N-ACETYLGLUCOSAMINE-6-SULFATASE DEFICIENCY; SANFILIPPO SYNDROME D; MPS III D; Mucopoly-saccharidosis type 3D; N-acetylglucosamine-6-sulfate sulfatase deficiency; MPS 3D. Identifiers: Orphanet 581, Orphanet 79272, MedGen C0086650, MONDO:0009658, OMIM 252940.

Submission:

Labcorp Genetics (formerly Invitae), Labcorp
Classification: Likely pathogenic for Mucopolysaccharidosis, MPS-III-D. Last evaluated: 2021-04-08. Review status: criteria provided, single submitter. Criteria: Invitae Variant Classification Sherloc (09022015). Collection method: clinical testing. Allele origin: germline.
Comment: Algorithms developed to predict the effect of sequence changes on RNA splicing suggest that this variant may disrupt the consensus splice site, but this prediction has not been confirmed by published transcriptional studies. This variant results in the deletion of part of exon 2 (c.236_252+8del) of the GNS gene. It is expected to disrupt RNA splicing. Variants that disrupt the donor or acceptor splice site typically lead to a loss of protein function (PMID: 16199547), and loss-of-function variants in GNS are known to be pathogenic (PMID: 20232353). This variant is not present in population databases (ExAC no frequency). This variant has not been reported in the literature in individuals with GNS-related conditions. In summary, the currently available evidence indicates that the variant is pathogenic, but additional data are needed to prove that conclusively. Therefore, this variant has been classified as Likely Pathogenic.

Literature cited by the submitters: PubMed 16199547; PubMed 20232353.

NM_002076.4(GNS):c.236_252+8del

Gene: GNS (glucosamine (N-acetyl)-6-sulfatase; minus strand). Cytogenetic location: 12q14.3.
Variant type: Deletion.
Coding change: c.236_252+8del on transcript NM_002076.4 (MANE Select); coding-DNA position 236 through 8 bases into the intron after coding-DNA position 252, 25 bases deleted (TGACTTTTTCCAGTGCTGTAAGTTT).
Molecular consequence: splice donor variant.
Genome position (GRCh38, 1-based): chr12:64,752,690-64,752,714, AAACTTACAGCACTGGAAAAAGTCA deleted on the plus strand (TGACTTTTTCCAGTGCTGTAAGTTT on the coding strand, the reverse complement: GNS is on the minus strand). VCF-style (leftmost placement, unchanged base first): chr12-64752689-CAAACTTACAGCACTGGAAAAAGTCA-C. GRCh37 (hg19) VCF-style: chr12-65146469-CAAACTTACAGCACTGGAAAAAGTCA-C.
Identifiers: ClinVar variation 1469838 (VCV001469838.8), dbSNP rs2136253236, ClinGen allele CA2573148954.